The following is an entry in ClinVar:

NM_144997.7(FLCN):c.365G>A (p.Arg122His)

Gene: FLCN (folliculin; minus strand). Cytogenetic location: 17p11.2.
Variant type: single nucleotide variant.
Coding change: c.365G>A on transcript NM_144997.7 (MANE Select); coding-DNA position 365, G replaced by A.
Protein change: p.Arg122His; replaces arginine 122 with histidine.
Molecular consequence: missense variant.
Genome position (GRCh38, 1-based): chr17:17,226,207, C>T on the plus strand (G>A on the coding strand, the complement: FLCN is on the minus strand). VCF-style: chr17-17226207-C-T. GRCh37 (hg19) VCF-style: chr17-17129521-C-T.
Other names: c.365G>A, p.Arg122His (NM_001353229.2, NM_001353230.2, NM_001353231.2 and 1 more transcripts); short protein forms R122H.
Identifiers: ClinVar variation 3850572 (VCV003850572.1).

ClinVar aggregate classification (germline): Uncertain significance (1 of 4 stars; one submission).

Conditions:
Hereditary cancer-predisposing syndrome. Also called: Hereditary neoplastic syndrome; Neoplastic Syndromes, Hereditary; Tumor predisposition; Hereditary Cancer Syndrome. Identifiers: Orphanet 140162, MedGen C0027672, MeSH D009386, MONDO:0015356.

Submission:

Ambry Genetics
Classification: Uncertain significance for Hereditary cancer-predisposing syndrome. Last evaluated: 2025-01-13. Review status: criteria provided, single submitter. Criteria: Ambry Variant Classification Scheme 2023. Collection method: clinical testing. Allele origin: germline.
Comment: The p.R122H variant (also known as c.365G>A), located in coding exon 2 of the FLCN gene, results from a G to A substitution at nucleotide position 365. The arginine at codon 122 is replaced by histidine, an amino acid with highly similar properties. This amino acid position is conserved. In addition, this alteration is predicted to be deleterious by in silico analysis. Based on the available evidence, the clinical significance of this variant remains unclear.